The following is an entry in ClinVar:

NM_007294.4(BRCA1):c.5101C>T (p.Leu1701=)

Gene: BRCA1 (BRCA1 DNA repair associated; minus strand). Cytogenetic location: 17q21.31.
Variant type: single nucleotide variant.
Coding change: c.5101C>T on transcript NM_007294.4 (MANE Select); coding-DNA position 5101, C replaced by T.
Protein change: p.Leu1701=; no amino-acid change (leucine 1701 retained).
Molecular consequence: synonymous variant. On other transcripts: intron variant (2).
Genome position (GRCh38, 1-based): chr17:43,063,925, G>A on the plus strand (C>T on the coding strand, the complement: BRCA1 is on the minus strand). VCF-style: chr17-43063925-G-A. GRCh37 (hg19) VCF-style: chr17-41215942-G-A.
Other names: c.4768C>T, p.Leu1590= (NM_001407947.1, NM_001407948.1, NM_001407949.1 and 1 more transcripts); c.4765C>T, p.Leu1589= (NM_001407950.1, NM_001407951.1, NM_001407952.1 and 3 more transcripts); c.4762C>T, p.Leu1588= (NM_001407956.1, NM_001407957.1, NM_001407958.1); c.4720C>T, p.Leu1574= (NM_001407959.1); c.4717C>T, p.Leu1573= (NM_001407960.1, NM_001407962.1); c.4714C>T, p.Leu1572= (NM_001407963.1); c.4639C>T, p.Leu1547= (NM_001407964.1); c.4594C>T, p.Leu1532= (NM_001407965.1); and 73 more.
Identifiers: ClinVar variation 864952 (VCV000864952.10), dbSNP rs910555398, ClinGen allele CA500146205.

ClinVar aggregate classification (germline): Conflicting classifications of pathogenicity. Review status: criteria provided, conflicting classifications (1 of 4 stars). 2 submissions from 2 submitters: Uncertain significance (1); Likely benign (1). Last evaluated 2026-05-13.

Conditions:
Hereditary cancer-predisposing syndrome. Also called: Tumor predisposition; Hereditary Cancer Syndrome; Hereditary neoplastic syndrome; Neoplastic Syndromes, Hereditary. Identifiers: Orphanet 140162, MedGen C0027672, MeSH D009386, MONDO:0015356.

Submissions (3):

Ambry Genetics
Classification: Likely benign for Hereditary cancer-predisposing syndrome. Last evaluated: 2026-05-13. Review status: criteria provided, single submitter. Criteria: Ambry Variant Classification Scheme 2023. Collection method: clinical testing. Allele origin: germline.

GeneDx
Classification: Uncertain significance. Last evaluated: 2022-08-01. Review status: criteria provided, single submitter. Criteria: GeneDx Variant Classification Process June 2021. Collection method: clinical testing. Allele origin: germline. Affected: yes.
Comment: Not observed at significant frequency in large population cohorts (gnomAD); In silico analysis supports that this variant does not alter splicing; Published functional studies demonstrate no damaging effect: variant classified as functional based on a saturation genome editing (SGE) assay measuring cell survival (Findlay et al., 2018); Also known as 5220C>T; This variant is associated with the following publications: (PMID: 30209399)

Brotman Baty Institute, University of Washington
No classification provided (evidence only). Condition: Breast-ovarian cancer, familial 1. Review status: no classification provided. Collection method: in vitro. Allele origin: not applicable. Functional consequence: functionally_normal. Not counted in ClinVar's aggregate classification.
ClinVar note: "not provided" was previously submitted as the classification for the variant. However, the classification appeared to be based only on an observation of functional data so it was converted to no classification on 2025-07-30.

Literature cited by the submitters: PubMed 30209399 (cited by Ambry Genetics).